The following continues an entry in ClinVar:

NM_004360.5(CDH1):c.1409C>T (p.Thr470Ile)

Gene: CDH1. ClinVar aggregate classification (germline): Benign. Benign (1).

Submissions 17 to 19 of 19:

Counsyl
Classification: Likely benign for Hereditary diffuse gastric adenocarcinoma. Last evaluated: 2018-05-03. Review status: no assertion criteria provided. Collection method: clinical testing. Allele origin: unknown. Not counted in ClinVar's aggregate classification.

Knight Diagnostic Laboratories, Oregon Health and Sciences University
Classification: Uncertain significance for Hereditary diffuse gastric adenocarcinoma. Last evaluated: 2015-09-26. Review status: no assertion criteria provided. Criteria: ACMG Guidelines, 2015. Collection method: clinical testing. Allele origin: germline. Affected: no. Study: CSER-NextGen. Not counted in ClinVar's aggregate classification.

Department of Pathology and Laboratory Medicine, Sinai Health System
Classification: Benign. Review status: no assertion criteria provided. Collection method: clinical testing. Allele origin: unknown. Affected: yes. Study: The Canadian Open Genetics Repository (COGR). Not counted in ClinVar's aggregate classification.
Comment: The CDH1 p.Thr470Ile variant was identified in 1 of 118 proband chromosomes (frequency: 0.008) from individuals or families with Gastric Cancer (Garziera 2013) and in 1 of 276 control chromosomes for an oral cleft study (Ittiwut, 2016). This variant was observed in population databases at an overall frequency of 0.00003 (Exome Aggregation Consortium, Genome Aggregation Database). This variant was observed in the following populations: African in 3 of 24974 chromosomes (freq: 0.0001), East Asian in 3 of 19954 chromosomes (freq: 0.0002), Other in 2 of 7228 chromosomes (freq: 0.0003), Latino in 1 of 35440 chromosomes (freq: 0.00003). The variant was not observed in the Ashkenazi Jewish, European (Finnish or non-Finnish), and South Asian populations. The p.Thr470Ile variant did not segregate with diffuse gastric carcinoma in one family studied; in addition the variant co-occurred in trans with another frameshift CDH1 variant that was most likely responsible for the diffuse gastric cancers in this family (Guilford, 1998). The p.Thr470Ile variant was identified in dbSNP (ID: rs370864592) as "With other allele", ClinVar (Clinical Significance: Benign â€šÃ„Ã¬ called by ClinGen expert panel, Invitae, Quest Diagnostics and Integrated Genetics; called likely benign by GeneDx and four other submitters; called VUS by Knight Diagnostic Laboratory). The p.Thr470 residue is conserved across mammals and other organisms, and computational analyses (PolyPhen-2, SIFT, AlignGVGD, BLOSUM, MutationTaster) suggest that the variant may impact the protein; nevertheless, this information is not predictive enough to assume pathogenicity. The variant occurs outside of the splicing consensus sequence and in silico or computational prediction software programs (SpliceSiteFinder, MaxEntScan, NNSPLICE, GeneSplicer) do not predict a difference in splicing. In summary, based on the above information this variant meets our laboratory's criteria to be classified as benign.

Literature cited by the submitters: PubMed 9537325 (cited by 5 submitters); PubMed 36436516 (cited by European Reference Network on Genetic Tumour Risk Syndromes (ERN-GENTURIS), i3s - Instituto de Investigação e Inovação em Saúde, University of Porto); PubMed 27443514 (cited by 3 submitters); PubMed 26580448 (cited by Quest Diagnostics Nichols Institute San Juan Capistrano and Women's Health and Genetics/Laboratory Corporation of America, LabCorp); PubMed 33471991 (cited by Quest Diagnostics Nichols Institute San Juan Capistrano); PubMed 24204729 (cited by 4 submitters); PubMed 9744472 (cited by Quest Diagnostics Nichols Institute San Juan Capistrano); PubMed 27227907 (cited by Quest Diagnostics Nichols Institute San Juan Capistrano and Counsyl); PubMed 26206375 (cited by Counsyl).